The following is an entry in ClinVar:

NM_001846.4(COL4A2):c.5004C>G (p.Tyr1668Ter)

Gene: COL4A2 (collagen type IV alpha 2 chain; plus strand). Cytogenetic location: 13q34.
Variant type: single nucleotide variant.
Coding change: c.5004C>G on transcript NM_001846.4 (MANE Select); coding-DNA position 5004, C replaced by G.
Protein change: p.Tyr1668Ter; replaces tyrosine 1668 with a stop codon.
Molecular consequence: nonsense.
Genome position (GRCh38, 1-based): chr13:110,512,056, C>G. VCF-style: chr13-110512056-C-G. GRCh37 (hg19) VCF-style: chr13-111164403-C-G.
Other names: short protein forms Y1668*.
Identifiers: ClinVar variation 1879264 (VCV001879264.30), dbSNP rs376531364, ClinGen allele CA388744252.
Genomic context (GRCh38, chr13:110,512,056, plus strand): 5'-GGACTTCCGCGCCACACCATTCATCGAATGCAATGGAGGCCGCGGCACCTGCCACTACTA[C>G]GCCAACAAGTACAGCTTCTGGCTGACCACCATTCCCGAGCAGAGCTTCCAGGGCTCGCCC-3'

ClinVar aggregate classification (germline): Uncertain significance. Review status: criteria provided, multiple submitters, no conflicts (2 of 4 stars). 2 submissions from 2 submitters: Uncertain significance (2). Last evaluated 2025-03-19.

Submissions (2):

Labcorp Genetics (formerly Invitae), Labcorp
Classification: Uncertain significance. Last evaluated: 2025-03-19. Review status: criteria provided, single submitter. Criteria: Invitae Variant Classification Sherloc (09022015). Collection method: clinical testing. Allele origin: germline.
Comment: This sequence change creates a premature translational stop signal (p.Tyr1668*) in the COL4A2 gene. While this is not anticipated to result in nonsense mediated decay, it is expected to disrupt the last 45 amino acid(s) of the COL4A2 protein. This variant is not present in population databases (gnomAD no frequency). This variant has not been reported in the literature in individuals affected with COL4A2-related conditions. ClinVar contains an entry for this variant (Variation ID: 1879264). Experimental studies and prediction algorithms are not available or were not evaluated, and the functional significance of this variant is currently unknown. In summary, the available evidence is currently insufficient to determine the role of this variant in disease. Therefore, it has been classified as a Variant of Uncertain Significance.

CeGaT Center for Human Genetics Tuebingen
Classification: Uncertain significance. Last evaluated: 2022-12-01. Review status: criteria provided, single submitter. Criteria: CeGaT Center For Human Genetics Tuebingen Variant Classification Criteria Version 2. Collection method: clinical testing. Allele origin: germline. Affected: yes. Observed: 1 variant allele.
Comment: COL4A2: PM2, PVS1:Moderate